The following is an entry in ClinVar:

ClinVar aggregate classification (germline): Pathogenic (1 of 4 stars; one submission).

Conditions:
Glycogen storage disease, type VII (GSD7). Also called: GSD VII; MUSCLE PHOSPHOFRUCTOKINASE DEFICIENCY; PFKM DEFICIENCY; TARUI DISEASE. Identifiers: Orphanet 371, MedGen C0017926, MONDO:0009295, OMIM 232800.

Submission:

Labcorp Genetics (formerly Invitae), Labcorp
Classification: Pathogenic for Glycogen storage disease, type VII. Last evaluated: 2023-12-19. Review status: criteria provided, single submitter. Criteria: Invitae Variant Classification Sherloc (09022015). Collection method: clinical testing. Allele origin: germline.
Comment: This sequence change creates a premature translational stop signal (p.Lys476*) in the PFKM gene. It is expected to result in an absent or disrupted protein product. Loss-of-function variants in PFKM are known to be pathogenic (PMID: 7825568, 8037209). This variant is not present in population databases (gnomAD no frequency). This variant has not been reported in the literature in individuals affected with PFKM-related conditions. Algorithms developed to predict the effect of sequence changes on RNA splicing suggest that this variant may disrupt the consensus splice site. For these reasons, this variant has been classified as Pathogenic.

Literature cited by the submitters: PubMed 7825568; PubMed 8037209.

NM_000289.6(PFKM):c.1426A>T (p.Lys476Ter)

Gene: PFKM (phosphofructokinase, muscle; plus strand). Cytogenetic location: 12q13.11.
Variant type: single nucleotide variant.
Coding change: c.1426A>T on transcript NM_000289.6 (MANE Select); coding-DNA position 1426, A replaced by T.
Protein change: p.Lys476Ter; replaces lysine 476 with a stop codon.
Molecular consequence: nonsense. On other transcripts: non-coding transcript variant (6).
Genome position (GRCh38, 1-based): chr12:48,141,753, A>T. VCF-style: chr12-48141753-A-T. GRCh37 (hg19) VCF-style: chr12-48535536-A-T.
Other names: c.1639A>T, p.Lys547Ter (NM_001166686.2, NM_001354737.1, NM_001354738.1 and 1 more transcripts); c.1426A>T, p.Lys476Ter (NM_001166687.2, NM_001166688.2, NM_001354742.2 and 2 more transcripts); c.1735A>T, p.Lys579Ter (NM_001354735.1, NM_001354736.1); c.1570A>T, p.Lys524Ter (NM_001354740.1); c.1450A>T, p.Lys484Ter (NM_001354741.2); c.1339A>T, p.Lys447Ter (NM_001354745.2); c.1300A>T, p.Lys434Ter (NM_001354746.2); c.1276A>T, p.Lys426Ter (NM_001354747.2, NM_001354748.2); and 1 more; short protein forms K434*, K445*, K476*, K484*, K579*, K447*, K426*, K547*.
Identifiers: ClinVar variation 2704310 (VCV002704310.3), dbSNP rs1456151637, ClinGen allele CA384551605.